The following is an entry in ClinVar:

NM_170784.3(MKKS):c.1280A>G (p.Asn427Ser)

Gene: MKKS (MKKS centrosomal shuttling protein; minus strand). Cytogenetic location: 20p12.2.
Variant type: single nucleotide variant.
Coding change: c.1280A>G on transcript NM_170784.3 (MANE Select); coding-DNA position 1280, A replaced by G.
Protein change: p.Asn427Ser; replaces asparagine 427 with serine.
Molecular consequence: missense variant. On other transcripts: non-coding transcript variant (1).
Genome position (GRCh38, 1-based): chr20:10,405,680, T>C on the plus strand (A>G on the coding strand, the complement: MKKS is on the minus strand). VCF-style: chr20-10405680-T-C. GRCh37 (hg19) VCF-style: chr20-10386328-T-C.
Other names: c.1280A>G, p.Asn427Ser (NM_018848.3); c.1280A>G (NM_018848.2); short protein forms N427S.
Identifiers: ClinVar variation 964125 (VCV000964125.10), dbSNP rs776235071, ClinGen allele CA9763503.

ClinVar aggregate classification (germline): Uncertain significance. Review status: criteria provided, multiple submitters, no conflicts (2 of 4 stars). 4 submissions from 4 submitters: Uncertain significance (3). 1 of the submissions does not count toward it. Last evaluated 2025-03-20.

Conditions:
MKKS-related disorder. Also called: MKKS-related disorders; MKKS-related condition.
Inborn genetic diseases. Identifiers: MedGen C0950123, MeSH D030342.
McKusick-Kaufman syndrome (MKKS). Also called: HYDROMETROCOLPOS SYNDROME; HYDROMETROCOLPOS, POSTAXIAL POLYDACTYLY, AND CONGENITAL HEART MALFORMATION. Identifiers: Orphanet 2473, MedGen C0948368, MONDO:0009367, OMIM 236700.
Bardet-Biedl syndrome 6 (BBS6). Identifiers: Orphanet 110, MedGen C1858054, MONDO:0011523, OMIM 605231.
Bardet-Biedl syndrome (BBS). Identifiers: Orphanet 110, MedGen C0752166, MONDO:0015229.

Allele frequency attached by ClinVar (database versions not stated): gnomAD exomes 0.00001 and 0.00002; ExAC 0.00002; gnomAD 0.00001; TOPMed 0.00001.
gnomAD v4.1: 16 of 1,613,380 alleles (0.00099%); highest among the groups gnomAD compares: African/African-American, 0.0027%; no homozygotes.

Submissions (4):

Ambry Genetics
Classification: Uncertain significance for Inborn genetic diseases. Last evaluated: 2025-03-20. Review status: criteria provided, single submitter. Criteria: Ambry Variant Classification Scheme 2023. Collection method: clinical testing. Allele origin: germline.

Fulgent Genetics
Classification: Uncertain significance for McKusick-Kaufman syndrome; Bardet-Biedl syndrome 6. Last evaluated: 2024-01-22. Review status: criteria provided, single submitter. Criteria: ACMG Guidelines, 2015. Collection method: clinical testing. Allele origin: germline.

Labcorp Genetics (formerly Invitae), Labcorp
Classification: Uncertain significance for McKusick-Kaufman syndrome; Bardet-Biedl syndrome. Last evaluated: 2021-08-24. Review status: criteria provided, single submitter. Criteria: Invitae Variant Classification Sherloc (09022015). Collection method: clinical testing. Allele origin: germline.
Comment: This sequence change replaces asparagine with serine at codon 427 of the MKKS protein (p.Asn427Ser). The asparagine residue is moderately conserved and there is a small physicochemical difference between asparagine and serine. This variant is present in population databases (rs776235071, ExAC 0.01%). This variant has not been reported in the literature in individuals affected with MKKS-related conditions. Algorithms developed to predict the effect of missense changes on protein structure and function output the following: SIFT: "Tolerated"; PolyPhen-2: "Benign"; Align-GVGD: "Class C0". The serine amino acid residue is found in multiple mammalian species, which suggests that this missense change does not adversely affect protein function. In summary, the available evidence is currently insufficient to determine the role of this variant in disease. Therefore, it has been classified as a Variant of Uncertain Significance.

PreventionGenetics, part of Exact Sciences
Classification: Uncertain significance for MKKS-related condition. Last evaluated: 2024-05-10. Review status: no assertion criteria provided. Collection method: clinical testing. Allele origin: germline. Not counted in ClinVar's aggregate classification.
Comment: The MKKS c.1280A>G variant is predicted to result in the amino acid substitution p.Asn427Ser. To our knowledge, this variant has not been reported in the literature. This variant is reported in 0.013% of alleles in individuals of African descent in gnomAD. At this time, the clinical significance of this variant is uncertain due to the absence of conclusive functional and genetic evidence.